The following is an entry in ClinVar:

NM_002972.4(SBF1):c.947A>G (p.Glu316Gly)

Gene: SBF1 (SET binding factor 1; minus strand). Cytogenetic location: 22q13.33.
Variant type: single nucleotide variant.
Coding change: c.947A>G on transcript NM_002972.4 (MANE Select); coding-DNA position 947, A replaced by G.
Protein change: p.Glu316Gly; replaces glutamic acid 316 with glycine.
Molecular consequence: missense variant.
Genome position (GRCh38, 1-based): chr22:50,466,025, T>C on the plus strand (A>G on the coding strand, the complement: SBF1 is on the minus strand). VCF-style: chr22-50466025-T-C. GRCh37 (hg19) VCF-style: chr22-50904454-T-C.
Other names: c.947A>G (NM_002972.2); c.950A>G, p.Glu317Gly (NM_001365819.1); short protein forms E316G, E317G.
Identifiers: ClinVar variation 1522302 (VCV001522302.7), dbSNP rs1366206765, ClinGen allele CA412220769.
Genomic context (GRCh38, chr22:50,466,025, plus strand): 5'-CTCAGCACACTGTGCGTCTGACTCTGCAGTGGCTCTGGCAAGGGTGGAATGTGCACACAC[T>C]CAGGAATGGTGACCGTCCCTCCATCCAGATCAGCAACAATCACATCGAGCTGCGGACCAA-3'
Protein context (NP_002963.2, residues 306-326): DLDGGTVTIP[Glu316Gly]CVHIPPLPEP

ClinVar aggregate classification (germline): Uncertain significance. Review status: criteria provided, multiple submitters, no conflicts (2 of 4 stars). 2 submissions from 2 submitters: Uncertain significance (2). Last evaluated 2024-12-19.

Allele frequency attached by ClinVar (database versions not stated): gnomAD exomes below 0.00001.
gnomAD v4.1: 2 of 1,613,884 alleles (0.00012%); highest among the groups gnomAD compares: Non-Finnish European, 0.00017%; no homozygotes.

Submissions (2):

GeneDx
Classification: Uncertain significance. Last evaluated: 2024-12-19. Review status: criteria provided, single submitter. Criteria: GeneDx Variant Classification Process June 2021. Collection method: clinical testing. Allele origin: germline. Affected: yes.
Comment: Not observed at significant frequency in large population cohorts (gnomAD); In silico analysis supports that this missense variant has a deleterious effect on protein structure/function; Has not been previously published as pathogenic or benign to our knowledge; In silico analysis suggests this variant may impact gene splicing. In the absence of RNA/functional studies, the actual effect of this sequence change is unknown.

Labcorp Genetics (formerly Invitae), Labcorp
Classification: Uncertain significance. Last evaluated: 2021-07-28. Review status: criteria provided, single submitter. Criteria: Invitae Variant Classification Sherloc (09022015). Collection method: clinical testing. Allele origin: germline.
Comment: In summary, the available evidence is currently insufficient to determine the role of this variant in disease. Therefore, it has been classified as a Variant of Uncertain Significance. Algorithms developed to predict the effect of missense changes on protein structure and function are either unavailable or do not agree on the potential impact of this missense change (SIFT: "Deleterious"; PolyPhen-2: "Probably Damaging"; Align-GVGD: "Class C0"). This variant has not been reported in the literature in individuals affected with SBF1-related conditions. This variant is not present in population databases (ExAC no frequency). This sequence change replaces glutamic acid with glycine at codon 316 of the SBF1 protein (p.Glu316Gly). The glutamic acid residue is highly conserved and there is a moderate physicochemical difference between glutamic acid and glycine.